The following is an entry in ClinVar:

NM_021957.4(GYS2):c.1320G>A (p.Leu440=)

Genes: GYS2 (glycogen synthase 2; minus strand), LOC126861480 (CDK7 strongly-dependent group 2 enhancer GRCh37_chr12:21710858-21712057; plus strand). Cytogenetic location: 12p12.1.
Variant type: single nucleotide variant.
Coding change: c.1320G>A on transcript NM_021957.4 (MANE Select); coding-DNA position 1320, G replaced by A.
Protein change: p.Leu440=; no amino-acid change (leucine 440 retained).
Molecular consequence: synonymous variant.
Genome position (GRCh38, 1-based): chr12:21,558,302, C>T on the plus strand (G>A on the coding strand, the complement: GYS2 is on the minus strand). VCF-style: chr12-21558302-C-T. GRCh37 (hg19) VCF-style: chr12-21711236-C-T.
Identifiers: ClinVar variation 3048585 (VCV003048585.2), dbSNP rs762944832, ClinGen allele CA6479868.

ClinVar aggregate classification (germline): Likely benign (0 of 4 stars; one submission).

Conditions:
GYS2-related disorder. Also called: GYS2-related condition.

Allele frequency attached by ClinVar (database versions not stated): ExAC 0.00001; TOPMed 0.00001.
gnomAD v4.1: 2 of 1,606,634 alleles (0.00012%); highest among the groups gnomAD compares: Non-Finnish European, 0.00017%; no homozygotes.

Submission:

PreventionGenetics, part of Exact Sciences
Classification: Likely benign for GYS2-related condition. Last evaluated: 2023-10-06. Review status: no assertion criteria provided. Collection method: clinical testing. Allele origin: germline.
Comment: This variant is classified as likely benign based on ACMG/AMP sequence variant interpretation guidelines (Richards et al. 2015 PMID: 25741868, with internal and published modifications).